The following is an entry in ClinVar:

NM_212481.3(ARID5A):c.1595C>T (p.Pro532Leu)

Gene: ARID5A (AT-rich interaction domain 5A; plus strand). Cytogenetic location: 2q11.2.
Variant type: single nucleotide variant.
Coding change: c.1595C>T on transcript NM_212481.3 (MANE Select); coding-DNA position 1595, C replaced by T.
Protein change: p.Pro532Leu; replaces proline 532 with leucine.
Molecular consequence: missense variant.
Genome position (GRCh38, 1-based): chr2:96,552,123, C>T. VCF-style: chr2-96552123-C-T. GRCh37 (hg19) VCF-style: chr2-97217860-C-T.
Other names: c.1757C>T, p.Pro586Leu (NM_001319085.2); c.1754C>T, p.Pro585Leu (NM_001319087.2); c.1391C>T, p.Pro464Leu (NM_001319092.1); c.1103C>T, p.Pro368Leu (NM_001319093.2, NM_001319094.2, NM_001319096.2); short protein forms P368L, P464L, P532L, P585L, P586L.
Identifiers: ClinVar variation 2635416 (VCV002635416.1), dbSNP rs1173012445, ClinGen allele CA347669936.
Genomic context (GRCh38, chr2:96,552,123, plus strand): 5'-CTGGCACCCCGGGCCCCTTGAAGGGCCAGGCTGCACTCCCCTTCAGCCCCCTGGTCATCC[C>T]GGCCTTCCCGGCCCACTTCCTGGCCACCGCAGGCCCCTCGCCCATGGCCGCTGGCCTGAT-3'
Protein context (NP_997646.1, residues 522-542): AALPFSPLVI[Pro532Leu]AFPAHFLATA

ClinVar aggregate classification (germline): Uncertain significance (1 of 4 stars; one submission).

Conditions:
ARID5A-related disorder. Also called: ARID5A-related condition.

Submission:

PreventionGenetics, part of Exact Sciences
Classification: Uncertain significance for ARID5A-related condition. Last evaluated: 2023-06-07. Review status: criteria provided, single submitter. Criteria: ACMG Guidelines, 2015. Collection method: clinical testing. Allele origin: germline.
Comment: The ARID5A c.1757C>T variant is predicted to result in the amino acid substitution p.Pro586Leu. To our knowledge, this variant has not been reported in the literature. This variant is reported in 0.0041% of alleles in individuals of African descent in gnomAD. At this time, the clinical significance of this variant is uncertain due to the absence of conclusive functional and genetic evidence.